The following is an entry in ClinVar:

NM_031935.3(HMCN1):c.9224C>T (p.Thr3075Ile)

Gene: HMCN1 (hemicentin 1; plus strand). Cytogenetic location: 1q31.1.
Variant type: single nucleotide variant.
Coding change: c.9224C>T on transcript NM_031935.3 (MANE Select); coding-DNA position 9224, C replaced by T.
Protein change: p.Thr3075Ile; replaces threonine 3075 with isoleucine.
Molecular consequence: missense variant.
Genome position (GRCh38, 1-based): chr1:186,087,506, C>T. VCF-style: chr1-186087506-C-T. GRCh37 (hg19) VCF-style: chr1-186056638-C-T.
Other names: short protein forms T3075I.
Identifiers: ClinVar variation 1929965 (VCV001929965.5), dbSNP rs552289093, ClinGen allele CA1293358.

ClinVar aggregate classification (germline): Uncertain significance (1 of 4 stars; one submission).

Allele frequency attached by ClinVar (database versions not stated): gnomAD 0.00001; ExAC 0.00002; 1000 Genomes Project 30x 0.00016; 1000 Genomes Project 0.00020.
gnomAD v4.1: 9 of 1,613,312 alleles (0.00056%); highest among the groups gnomAD compares: South Asian, 0.0066%; no homozygotes.

Submission:

Labcorp Genetics (formerly Invitae), Labcorp
Classification: Uncertain significance. Last evaluated: 2023-07-17. Review status: criteria provided, single submitter. Criteria: Invitae Variant Classification Sherloc (09022015). Collection method: clinical testing. Allele origin: germline.
Comment: This sequence change replaces threonine, which is neutral and polar, with isoleucine, which is neutral and non-polar, at codon 3075 of the HMCN1 protein (p.Thr3075Ile). This variant is present in population databases (rs552289093, gnomAD 0.007%). This variant has not been reported in the literature in individuals affected with HMCN1-related conditions. ClinVar contains an entry for this variant (Variation ID: 1929965). Algorithms developed to predict the effect of missense changes on protein structure and function output the following: SIFT: "Not Available"; PolyPhen-2: "Probably Damaging"; Align-GVGD: "Not Available". The isoleucine amino acid residue is found in multiple mammalian species, which suggests that this missense change does not adversely affect protein function. In summary, the available evidence is currently insufficient to determine the role of this variant in disease. Therefore, it has been classified as a Variant of Uncertain Significance.